The following is an entry in ClinVar:

NM_015338.6(ASXL1):c.342T>G (p.Asn114Lys)

Gene: ASXL1 (ASXL transcriptional regulator 1; plus strand). Cytogenetic location: 20q11.21.
Variant type: single nucleotide variant.
Coding change: c.342T>G on transcript NM_015338.6 (MANE Select); coding-DNA position 342, T replaced by G.
Protein change: p.Asn114Lys; replaces asparagine 114 with lysine.
Molecular consequence: missense variant.
Genome position (GRCh38, 1-based): chr20:32,428,217, T>G. VCF-style: chr20-32428217-T-G. GRCh37 (hg19) VCF-style: chr20-31016020-T-G.
Other names: c.312T>G, p.Asn104Lys (NM_001363734.1); short protein forms N104K, N114K.
Identifiers: ClinVar variation 4159442 (VCV004159442.1).

ClinVar aggregate classification (germline): Uncertain significance (1 of 4 stars; one submission).

Conditions:
Inborn genetic diseases. Identifiers: MedGen C0950123, MeSH D030342.

Submission:

Ambry Genetics
Classification: Uncertain significance for Inborn genetic diseases. Last evaluated: 2025-09-02. Review status: criteria provided, single submitter. Criteria: Ambry Variant Classification Scheme 2023. Collection method: clinical testing. Allele origin: germline.
Comment: The p.N114K variant (also known as c.342T>G), located in coding exon 5 of the ASXL1 gene, results from a T to G substitution at nucleotide position 342. The asparagine at codon 114 is replaced by lysine, an amino acid with similar properties. This amino acid position is conserved. In addition, this alteration is predicted to be tolerated by in silico analysis. Based on the available evidence, the clinical significance of this variant remains unclear.